The following is an entry in ClinVar:

NM_001083962.2(TCF4):c.1714G>C (p.Ala572Pro)

Gene: TCF4 (transcription factor 4; minus strand). Cytogenetic location: 18q21.2.
Variant type: single nucleotide variant.
Coding change: c.1714G>C on transcript NM_001083962.2 (MANE Select); coding-DNA position 1714, G replaced by C.
Protein change: p.Ala572Pro; replaces alanine 572 with proline.
Molecular consequence: missense variant.
Genome position (GRCh38, 1-based): chr18:55,229,012, C>G on the plus strand (G>C on the coding strand, the complement: TCF4 is on the minus strand). VCF-style: chr18-55229012-C-G. GRCh37 (hg19) VCF-style: chr18-52896243-C-G.
Other names: c.2020G>C, p.Ala674Pro (NM_001243226.3); c.1642G>C, p.Ala548Pro (NM_001243227.2, NM_001348217.1, NM_001348218.2 and 1 more transcripts); c.1732G>C, p.Ala578Pro (NM_001243228.2); c.1693G>C, p.Ala565Pro (NM_001243230.2); c.1576G>C, p.Ala526Pro (NM_001243231.2); c.1501G>C, p.Ala501Pro (NM_001243232.1); c.1312G>C, p.Ala438Pro (NM_001243233.2, NM_001348212.2); c.1234G>C, p.Ala412Pro (NM_001243234.2, NM_001348216.2); and 14 more; short protein forms A356P, A442P, A501P, A547P, A571P, A674P, A497P, A544P.
Identifiers: ClinVar variation 3393733 (VCV003393733.2).

ClinVar aggregate classification (germline): Likely pathogenic (1 of 4 stars; one submission).

Submission:

GeneDx
Classification: Likely pathogenic. Last evaluated: 2025-04-16. Review status: criteria provided, single submitter. Criteria: GeneDx Variant Classification Process June 2021. Collection method: clinical testing. Allele origin: germline. Affected: yes.
Comment: Not observed at significant frequency in large population cohorts (gnomAD); In silico analysis supports that this missense variant has a deleterious effect on protein structure/function; Has not been previously published as pathogenic or benign to our knowledge